The following is an entry in ClinVar:

NM_017570.5(OPLAH):c.1424C>T (p.Ala475Val)

Gene: OPLAH (5-oxoprolinase, ATP-hydrolysing; minus strand). Cytogenetic location: 8q24.3.
Variant type: single nucleotide variant.
Coding change: c.1424C>T on transcript NM_017570.5 (MANE Select); coding-DNA position 1424, C replaced by T.
Protein change: p.Ala475Val; replaces alanine 475 with valine.
Molecular consequence: missense variant.
Genome position (GRCh38, 1-based): chr8:144,057,319, G>A on the plus strand (C>T on the coding strand, the complement: OPLAH is on the minus strand). VCF-style: chr8-144057319-G-A. GRCh37 (hg19) VCF-style: chr8-145112222-G-A.
Other names: c.1424C>T (NM_017570.3); short protein forms A475V.
Identifiers: ClinVar variation 570470 (VCV000570470.23), dbSNP rs374935079, ClinGen allele CA4931855.

ClinVar aggregate classification (germline): Uncertain significance. Review status: criteria provided, multiple submitters, no conflicts (2 of 4 stars). 5 submissions from 5 submitters: Uncertain significance (4). 1 of the submissions does not count toward it. Last evaluated 2024-09-01.

Conditions:
5-Oxoprolinase deficiency (OPLAHD). Also called: 5-OXOPROLINURIA DUE TO 5-OXOPROLINASE DEFICIENCY. Identifiers: Orphanet 33572, MedGen C0268525, MONDO:0009825, OMIM 260005, HP:0040142.

Allele frequency attached by ClinVar (database versions not stated): gnomAD 0.00015; gnomAD exomes 0.00015 and 0.00020; TOPMed 0.00016; ExAC 0.00028; ESP Exome Variant Server 0.00040.
gnomAD v4.1: 248 of 1,610,798 alleles (0.015%); highest among the groups gnomAD compares: Middle Eastern, 0.066%; no homozygotes.

Submissions (6):

CeGaT Center for Human Genetics Tuebingen
Classification: Uncertain significance. Last evaluated: 2024-09-01. Review status: criteria provided, single submitter. Criteria: CeGaT Center For Human Genetics Tuebingen Variant Classification Criteria Version 2. Collection method: clinical testing. Allele origin: germline. Affected: yes. Observed: 1 variant allele.
Comment: OPLAH: PM2

Ambry Genetics
Classification: Uncertain significance. Last evaluated: 2024-05-15. Review status: criteria provided, single submitter. Criteria: Ambry Variant Classification Scheme 2023. Collection method: clinical testing. Allele origin: germline.

Labcorp Genetics (formerly Invitae), Labcorp
Classification: Uncertain significance for 5-Oxoprolinase deficiency. Last evaluated: 2019-03-01. Review status: criteria provided, single submitter. Criteria: Invitae Variant Classification Sherloc (09022015). Collection method: clinical testing. Allele origin: germline.
Comment: This sequence change replaces alanine with valine at codon 475 of the OPLAH protein (p.Ala475Val). The alanine residue is highly conserved and there is a small physicochemical difference between alanine and valine. This variant is present in population databases (rs374935079, ExAC 0.05%). This variant has not been reported in the literature in individuals with OPLAH-related disease. Algorithms developed to predict the effect of missense changes on protein structure and function do not agree on the potential impact of this missense change (SIFT: Deleterious; PolyPhen-2: Possibly Damaging; Align-GVGD: Class C0). Algorithms developed to predict the effect of sequence changes on RNA splicing suggest that this variant may create or strengthen a splice site, but this prediction has not been confirmed by published transcriptional studies. In summary, the available evidence is currently insufficient to determine the role of this variant in disease. Therefore, it has been classified as a Variant of Uncertain Significance.

Breakthrough Genomics
Classification: Uncertain significance. Review status: criteria provided, single submitter. Criteria: ACMG Guidelines, 2015. Collection method: not provided. Allele origin: germline. Inheritance: Autosomal recessive inheritance. Affected: yes.

Department of Pathology and Laboratory Medicine, Sinai Health System
Classification: Uncertain significance. Review status: no assertion criteria provided. Collection method: clinical testing. Allele origin: unknown. Affected: yes. Study: The Canadian Open Genetics Repository (COGR). Not counted in ClinVar's aggregate classification.
Comment: The OPLAH p.Ala475Val variant was not identified in the literature nor was it identified in ClinVar or LOVD 3.0. The variant was identified in dbSNP (ID: rs374935079) and in control databases in 51 of 270388 chromosomes at a frequency of 0.0001886 (Genome Aggregation Database March 6, 2019, v2.1.1). The variant was observed in the following populations: European (non-Finnish) in 46 of 122142 chromosomes (freq: 0.000377), Other in 2 of 6946 chromosomes (freq: 0.000288), African in 1 of 23074 chromosomes (freq: 0.000043), European (Finnish) in 1 of 24144 chromosomes (freq: 0.000041) and Latino in 1 of 34818 chromosomes (freq: 0.000029), but was not observed in the Ashkenazi Jewish, East Asian, or South Asian populations. The p.Ala475 residue is conserved in mammals and computational analyses (PolyPhen-2, SIFT, AlignGVGD, BLOSUM) provide inconsistent predictions regarding the impact to the protein; this information is not very predictive of pathogenicity. The variant occurs outside of the splicing consensus sequence and three of four in silico or computational prediction software programs (SpliceSiteFinder, MaxEntScan, NNSPLICE, GeneSplicer) predict a greater than 10% difference in splicing. However, this has not been confirmed by RNA analysis and is not predictive enough to assume pathogenicity. In summary, based on the above information the clinical significance of this variant cannot be determined with certainty at this time. This variant is classified as a variant of uncertain significance.

Dr. Peter K. Rogan Lab, Western University
No classification provided (evidence only). Condition: Sarcoma. Review status: no classification provided. Collection method: in vitro. Allele origin: not applicable. Functional consequence: retained intron. Not counted in ClinVar's aggregate classification.